The following is an entry in ClinVar:

ClinVar aggregate classification (germline): Likely benign (1 of 4 stars; one submission).

gnomAD v4.1: 49 of 1,608,002 alleles (0.003%); highest among the groups gnomAD compares: South Asian, 0.024%; no homozygotes.

Submission:

CeGaT Center for Human Genetics Tuebingen
Classification: Likely benign. Last evaluated: 2026-04-01. Review status: criteria provided, single submitter. Criteria: CeGaT Center For Human Genetics Tuebingen Variant Classification Criteria Version 2. Collection method: clinical testing. Allele origin: germline. Affected: yes. Observed: 1 variant allele.
Comment: HECTD4: BP4, BP7

NM_001388303.1(HECTD4):c.12348C>T (p.Tyr4116=)

Gene: HECTD4 (HECT domain E3 ubiquitin protein ligase 4; minus strand). Cytogenetic location: 12q24.13.
Variant type: single nucleotide variant.
Coding change: c.12348C>T on transcript NM_001388303.1 (MANE Select); coding-DNA position 12348, C replaced by T.
Protein change: p.Tyr4116=; no amino-acid change (tyrosine 4116 retained).
Molecular consequence: synonymous variant.
Genome position (GRCh38, 1-based): chr12:112,167,503, G>A on the plus strand (C>T on the coding strand, the complement: HECTD4 is on the minus strand). VCF-style: chr12-112167503-G-A. GRCh37 (hg19) VCF-style: chr12-112605307-G-A.
Other names: c.12378C>T, p.Tyr4126= (NM_001109662.4).
Identifiers: ClinVar variation 4873759 (VCV004873759.2).
Genomic context (GRCh38, chr12:112,167,503, plus strand): 5'-GTCTGCCCGAATTGCAATCCCCAGCAGCTGCCCCAGGAAGTGCAGCAGCTGCTCCTCCCC[G>A]TAGGTGATGGGGCTCGGGGTCAGGATATACTTGCCCTGGAAGTGGAGGTGGGCATGAGGT-3'
Protein context (NP_001375232.1, residues 4106-4126): KYILTPSPIT[Tyr4116=]GEEQLLHFLG